The following is an entry in ClinVar:

NM_013266.4(CTNNA3):c.682C>T (p.His228Tyr)

Gene: CTNNA3 (catenin alpha 3; minus strand). Cytogenetic location: 10q21.3.
Variant type: single nucleotide variant.
Coding change: c.682C>T on transcript NM_013266.4 (MANE Select); coding-DNA position 682, C replaced by T.
Protein change: p.His228Tyr; replaces histidine 228 with tyrosine.
Molecular consequence: missense variant.
Genome position (GRCh38, 1-based): chr10:67,219,768, G>A on the plus strand (C>T on the coding strand, the complement: CTNNA3 is on the minus strand). VCF-style: chr10-67219768-G-A. GRCh37 (hg19) VCF-style: chr10-68979526-G-A.
Other names: c.682C>T, p.His228Tyr (NM_001127384.3); c.718C>T, p.His240Tyr (NM_001291133.2); short protein forms H240Y, H228Y.
Identifiers: ClinVar variation 1415568 (VCV001415568.6), dbSNP rs1342375122, ClinGen allele CA377095817.

ClinVar aggregate classification (germline): Uncertain significance (1 of 4 stars; one submission).

Conditions:
Arrhythmogenic right ventricular dysplasia 13. Also called: Arrhythmogenic right ventricular dysplasia, familial, 13; ARRHYTHMOGENIC RIGHT VENTRICULAR CARDIOMYOPATHY 13. Identifiers: MedGen C3810138, MONDO:0000908, OMIM 615616.

Allele frequency attached by ClinVar (database versions not stated): TOPMed below 0.00001; gnomAD 0.00001.
gnomAD v4.1: 1 of 1,613,982 alleles (0.000062%); highest among the groups gnomAD compares: African/African-American, 0.0013%; no homozygotes.

Submission:

Labcorp Genetics (formerly Invitae), Labcorp
Classification: Uncertain significance for Arrhythmogenic right ventricular dysplasia 13. Last evaluated: 2021-09-09. Review status: criteria provided, single submitter. Criteria: Invitae Variant Classification Sherloc (09022015). Collection method: clinical testing. Allele origin: germline.
Comment: This sequence change replaces histidine with tyrosine at codon 228 of the CTNNA3 protein (p.His228Tyr). The histidine residue is moderately conserved and there is a moderate physicochemical difference between histidine and tyrosine. This variant is not present in population databases (ExAC no frequency). This variant has not been reported in the literature in individuals affected with CTNNA3-related conditions. Algorithms developed to predict the effect of missense changes on protein structure and function are either unavailable or do not agree on the potential impact of this missense change (SIFT: "Deleterious"; PolyPhen-2: "Benign"; Align-GVGD: "Class C0"). In summary, the available evidence is currently insufficient to determine the role of this variant in disease. Therefore, it has been classified as a Variant of Uncertain Significance.